The following is an entry in ClinVar:

NM_020975.6(RET):c.817C>T (p.Pro273Ser)

Gene: RET (ret proto-oncogene; plus strand). Cytogenetic location: 10q11.21.
Variant type: single nucleotide variant.
Coding change: c.817C>T on transcript NM_020975.6 (MANE Select); coding-DNA position 817, C replaced by T.
Protein change: p.Pro273Ser; replaces proline 273 with serine.
Molecular consequence: missense variant. On other transcripts: intron variant (22).
Genome position (GRCh38, 1-based): chr10:43,105,143, C>T. VCF-style: chr10-43105143-C-T. GRCh37 (hg19) VCF-style: chr10-43600591-C-T.
Other names: c.688C>T, p.Pro230Ser (NM_001406774.1, NM_001406761.1, NM_001406762.1 and 2 more transcripts); c.817C>T, p.Pro273Ser (NM_020629.2, NM_020630.7, NM_000323.2 and 8 more transcripts); c.625+2514C>T (NM_001406773.1, NM_001406771.1, NM_001406782.1 and 5 more transcripts); c.55C>T, p.Pro19Ser (NM_001355216.2); c.529C>T, p.Pro177Ser (NM_001406766.1, NM_001406767.1, NM_001406770.1); c.496+2514C>T (NM_001406786.1, NM_001406783.1); c.338-3888C>T (NM_001406778.1, NM_001406775.1, NM_001406776.1 and 1 more transcripts); c.337+4421C>T (NM_001406790.1, NM_001406788.1, NM_001406789.1 and 1 more transcripts); and 2 more; short protein forms P19S, P230S, P273S, P177S.
Identifiers: ClinVar variation 2719572 (VCV002719572.3), dbSNP rs1588866219, ClinGen allele CA376545197.

ClinVar aggregate classification (germline): Uncertain significance (1 of 4 stars; one submission).

Conditions:
Multiple endocrine neoplasia, type 2 (MEN2). Identifiers: Orphanet 653, MedGen C4048306, MONDO:0019003. Disease mechanism: gain of function.

Submission:

Labcorp Genetics (formerly Invitae), Labcorp
Classification: Uncertain significance for Multiple endocrine neoplasia, type 2. Last evaluated: 2023-07-25. Review status: criteria provided, single submitter. Criteria: Invitae Variant Classification Sherloc (09022015). Collection method: clinical testing. Allele origin: germline.
Comment: In summary, the available evidence is currently insufficient to determine the role of this variant in disease. Therefore, it has been classified as a Variant of Uncertain Significance. Algorithms developed to predict the effect of missense changes on protein structure and function output the following: SIFT: "Not Available"; PolyPhen-2: "Benign"; Align-GVGD: "Not Available". The serine amino acid residue is found in multiple mammalian species, which suggests that this missense change does not adversely affect protein function. This variant has not been reported in the literature in individuals affected with RET-related conditions. This variant is not present in population databases (gnomAD no frequency). This sequence change replaces proline, which is neutral and non-polar, with serine, which is neutral and polar, at codon 273 of the RET protein (p.Pro273Ser).